The following is an entry in ClinVar:

NM_001875.5(CPS1):c.1196A>G (p.Lys399Arg)

Gene: CPS1 (carbamoyl-phosphate synthase 1; plus strand). Cytogenetic location: 2q34.
Variant type: single nucleotide variant.
Coding change: c.1196A>G on transcript NM_001875.5 (MANE Select); coding-DNA position 1196, A replaced by G.
Protein change: p.Lys399Arg; replaces lysine 399 with arginine.
Molecular consequence: missense variant. On other transcripts: non-coding transcript variant (2).
Genome position (GRCh38, 1-based): chr2:210,594,539, A>G. VCF-style: chr2-210594539-A-G. GRCh37 (hg19) VCF-style: chr2-211459263-A-G.
Other names: c.1196A>G, p.Lys399Arg (NM_001122633.3, NM_001369257.1); c.1229A>G, p.Lys410Arg (NM_001369256.1); short protein forms K410R, K399R.
Identifiers: ClinVar variation 2193427 (VCV002193427.3), dbSNP rs1698418398, ClinGen allele CA350432217.

ClinVar aggregate classification (germline): Uncertain significance (1 of 4 stars; one submission).

Conditions:
Congenital hyperammonemia, type I. Also called: CPS I DEFICIENCY; Carbamoyl-phosphate synthase I deficiency; Carbamoyl phosphate synthetase 1 deficiency; Hyperammonemia due to carbamoyl phosphate synthetase 1 deficiency; CPS 1 deficiency; Carbamyl phosphate synthetase (CPS) deficiency. Identifiers: Orphanet 147, MedGen C4082171, MONDO:0009376, OMIM 237300.

Allele frequency attached by ClinVar (database versions not stated): gnomAD exomes below 0.00001; TOPMed 0.00001.
gnomAD v4.1: 1 of 1,611,222 alleles (0.000062%); highest among the groups gnomAD compares: Admixed American, 0.0017%; no homozygotes.

Submissions (2):

Labcorp Genetics (formerly Invitae), Labcorp
Classification: Uncertain significance for Congenital hyperammonemia, type I. Last evaluated: 2024-10-15. Review status: criteria provided, single submitter. Criteria: Invitae Variant Classification Sherloc (09022015). Collection method: clinical testing. Allele origin: germline.
Comment: This sequence change replaces lysine, which is basic and polar, with arginine, which is basic and polar, at codon 399 of the CPS1 protein (p.Lys399Arg). This variant is not present in population databases (gnomAD no frequency). This variant has not been reported in the literature in individuals affected with CPS1-related conditions. ClinVar contains an entry for this variant (Variation ID: 2193427). Invitae Evidence Modeling of protein sequence and biophysical properties (such as structural, functional, and spatial information, amino acid conservation, physicochemical variation, residue mobility, and thermodynamic stability) indicates that this missense variant is not expected to disrupt CPS1 protein function with a negative predictive value of 95%. In summary, the available evidence is currently insufficient to determine the role of this variant in disease. Therefore, it has been classified as a Variant of Uncertain Significance.

Dr. Peter K. Rogan Lab, Western University
No classification provided (evidence only). Condition: Hepatocellular carcinoma. Review status: no classification provided. Collection method: in vitro. Allele origin: not applicable. Functional consequence: retained intron. Not counted in ClinVar's aggregate classification.